The following is an entry in ClinVar:

ClinVar aggregate classification (germline): Likely pathogenic (1 of 4 stars; one submission).

Conditions:
Branchiootorenal syndrome 1. Also called: Branchio-Oto-Renal Syndrome 1. Identifiers: Orphanet 107, MedGen C4551702, MONDO:0007236, OMIM 113650.

Submission:

MGZ Medical Genetics Center
Classification: Likely pathogenic for Branchiootorenal syndrome 1. Last evaluated: 2022-01-27. Review status: criteria provided, single submitter. Criteria: ACMG Guidelines, 2015. Collection method: clinical testing. Allele origin: germline. Affected: yes. Observed: 1 variant allele.
Comment: ACMG criteria applied: PVS1, PM2_SUP

NM_000503.6(EYA1):c.520C>T (p.Gln174Ter)

Gene: EYA1 (EYA transcriptional coactivator and phosphatase 1; minus strand). Cytogenetic location: 8q13.3.
Variant type: single nucleotide variant.
Coding change: c.520C>T on transcript NM_000503.6 (MANE Select); coding-DNA position 520, C replaced by T.
Protein change: p.Gln174Ter; replaces glutamine 174 with a stop codon.
Molecular consequence: nonsense.
Genome position (GRCh38, 1-based): chr8:71,317,588, G>A on the plus strand (C>T on the coding strand, the complement: EYA1 is on the minus strand). VCF-style: chr8-71317588-G-A. GRCh37 (hg19) VCF-style: chr8-72229823-G-A.
Other names: c.502C>T, p.Gln168Ter (NM_001288574.2); c.154C>T, p.Gln52Ter (NM_001288575.2); c.607C>T, p.Gln203Ter (NM_001370333.1); c.520C>T, p.Gln174Ter (NM_001370334.1, NM_001370335.1, NM_172058.4); c.589C>T, p.Gln197Ter (NM_001370336.1); c.421C>T, p.Gln141Ter (NM_001411797.1, NM_172060.4); c.592C>T, p.Gln198Ter (NM_172059.5); short protein forms Q141*, Q168*, Q174*, Q197*, Q198*, Q203*, Q52*.
Identifiers: ClinVar variation 1709105 (VCV001709105.2), dbSNP rs2537009990, ClinGen allele CA371467979.